The following is an entry in ClinVar:

NM_004655.4(AXIN2):c.1327C>A (p.Leu443Met)

Gene: AXIN2 (axin 2; minus strand). Cytogenetic location: 17q24.1.
Variant type: single nucleotide variant.
Coding change: c.1327C>A on transcript NM_004655.4 (MANE Select); coding-DNA position 1327, C replaced by A.
Protein change: p.Leu443Met; replaces leucine 443 with methionine.
Molecular consequence: missense variant.
Genome position (GRCh38, 1-based): chr17:65,537,709, G>T on the plus strand (C>A on the coding strand, the complement: AXIN2 is on the minus strand). VCF-style: chr17-65537709-G-T. GRCh37 (hg19) VCF-style: chr17-63533827-G-T.
Other names: c.1327C>A, p.Leu443Met (NM_001363813.1); short protein forms L443M.
Identifiers: ClinVar variation 5032630 (VCV005032630.1).
Genomic context (GRCh38, chr17:65,537,709, plus strand): 5'-GGGGGCTATAGCGGCCTACGCCTGGAGACTGGCAGCCAGGGGTCTTGAGGACCCTGGACA[G>T]GTGATCGTCCAGTATCGTCTGCGGGTCTTCCTCGTAGCTGCCGGAGGGCAGTAGGGAGAG-3'
Protein context (NP_004646.3, residues 433-453): EDPQTILDDH[Leu443Met]SRVLKTPGCQ

ClinVar aggregate classification (germline): Uncertain significance (1 of 4 stars; one submission).

Conditions:
Hereditary cancer-predisposing syndrome. Also called: Neoplastic Syndromes, Hereditary; Tumor predisposition; Hereditary neoplastic syndrome; Hereditary Cancer Syndrome. Identifiers: Orphanet 140162, MedGen C0027672, MeSH D009386, MONDO:0015356.

Submission:

Ambry Genetics
Classification: Uncertain significance for Hereditary cancer-predisposing syndrome. Last evaluated: 2026-07-07. Review status: criteria provided, single submitter. Criteria: Ambry Variant Classification Scheme 2023. Collection method: clinical testing. Allele origin: germline.
Comment: The p.L443M variant (also known as c.1327C>A), located in coding exon 5 of the AXIN2 gene, results from a C to A substitution at nucleotide position 1327. The leucine at codon 443 is replaced by methionine, an amino acid with highly similar properties. This amino acid position is conserved. In addition, the in silico prediction for this alteration is inconclusive. Based on the available evidence, the clinical significance of this variant remains unclear.